The following is an entry in ClinVar:

NM_001927.4(DES):c.173G>T (p.Arg58Leu)

Gene: DES (desmin; plus strand). Cytogenetic location: 2q35.
Variant type: single nucleotide variant.
Coding change: c.173G>T on transcript NM_001927.4 (MANE Select); coding-DNA position 173, G replaced by T.
Protein change: p.Arg58Leu; replaces arginine 58 with leucine.
Molecular consequence: missense variant.
Genome position (GRCh38, 1-based): chr2:219,418,635, G>T. VCF-style: chr2-219418635-G-T. GRCh37 (hg19) VCF-style: chr2-220283357-G-T.
Other names: c.173G>T, p.Arg58Leu (NM_001382708.1, NM_001382709.1, NM_001382710.1 and 3 more transcripts); short protein forms R58L.
Identifiers: ClinVar variation 1779176 (VCV001779176.4), dbSNP rs2545246407, ClinGen allele CA350683631.

ClinVar aggregate classification (germline): Uncertain significance. Review status: criteria provided, multiple submitters, no conflicts (2 of 4 stars). 2 submissions from 2 submitters: Uncertain significance (2). Last evaluated 2024-10-16.

Conditions:
Cardiovascular phenotype. Identifiers: MedGen CN230736.
Desmin-related myofibrillar myopathy (MFM1). Also called: Desminopathy; Desmin related myopathy (former name); Desmin storage myopathy (former name); MYOFIBRILLAR MYOPATHY WITH ARRHYTHMOGENIC RIGHT VENTRICULAR CARDIOMYOPATHY; DESMIN-RELATED MYOPATHY WITH ARRHYTHMOGENIC RIGHT VENTRICULAR CARDIOMYOPATHY; Myofibrillar myopathy 1. Identifiers: Orphanet 363543, Orphanet 98909, MedGen C1832370, MONDO:0011076, OMIM 601419.

Submissions (2):

Labcorp Genetics (formerly Invitae), Labcorp
Classification: Uncertain significance for Desmin-related myofibrillar myopathy. Last evaluated: 2024-10-16. Review status: criteria provided, single submitter. Criteria: Invitae Variant Classification Sherloc (09022015). Collection method: clinical testing. Allele origin: germline.
Comment: This sequence change replaces arginine, which is basic and polar, with leucine, which is neutral and non-polar, at codon 58 of the DES protein (p.Arg58Leu). This variant is not present in population databases (gnomAD no frequency). This variant has not been reported in the literature in individuals affected with DES-related conditions. ClinVar contains an entry for this variant (Variation ID: 1779176). Invitae Evidence Modeling of protein sequence and biophysical properties (such as structural, functional, and spatial information, amino acid conservation, physicochemical variation, residue mobility, and thermodynamic stability) has been performed for this missense variant. However, the output from this modeling did not meet the statistical confidence thresholds required to predict the impact of this variant on DES protein function. In summary, the available evidence is currently insufficient to determine the role of this variant in disease. Therefore, it has been classified as a Variant of Uncertain Significance.

Ambry Genetics
Classification: Uncertain significance for Cardiovascular phenotype. Last evaluated: 2022-06-23. Review status: criteria provided, single submitter. Criteria: Ambry Variant Classification Scheme 2023. Collection method: clinical testing. Allele origin: germline.
Comment: The p.R58L variant (also known as c.173G>T), located in coding exon 1 of the DES gene, results from a G to T substitution at nucleotide position 173. The arginine at codon 58 is replaced by leucine, an amino acid with dissimilar properties. This amino acid position is conserved. In addition, the in silico prediction for this alteration is inconclusive. Since supporting evidence is limited at this time, the clinical significance of this alteration remains unclear.